The following is an entry in ClinVar:

NC_000008.10:g.(?_94827513)_(94827695_?)del

Gene: TMEM67 (transmembrane protein 67; plus strand). Cytogenetic location: 8q22.1.
Variant type: Deletion.
Identifiers: ClinVar variation 3245503 (VCV003245503.1).

ClinVar aggregate classification (germline): Pathogenic (1 of 4 stars; one submission).

Conditions:
Joubert syndrome. Also called: CEREBELLOPARENCHYMAL DISORDER IV; JOUBERT-BOLTSHAUSER SYNDROME; Familial aplasia of the vermis. Identifiers: Orphanet 475, MedGen C5979921, MONDO:0018772.
Meckel-Gruber syndrome. Also called: DYSENCEPHALIA SPLANCHNOCYSTICA; GRUBER SYNDROME; Dysencephalia splachnocystica. Identifiers: Orphanet 564, MedGen C0265215, MONDO:0018921.

Submission:

Labcorp Genetics (formerly Invitae), Labcorp
Classification: Pathogenic for Joubert syndrome; Meckel-Gruber syndrome. Last evaluated: 2023-01-03. Review status: criteria provided, single submitter. Criteria: Invitae Variant Classification Sherloc (09022015). Collection method: clinical testing. Allele origin: unknown.
Comment: For these reasons, this variant has been classified as Pathogenic. This variant has not been reported in the literature in individuals affected with TMEM67-related conditions. This variant is a gross deletion of the genomic region encompassing exon(s) 27 of the TMEM67 gene. This deletion is out-of-frame, and is expected to create a premature termination codon and result in an absent or disrupted protein product. Loss-of-function variants in TMEM67 are known to be pathogenic (PMID: 20232449, 23559409).

Literature cited by the submitters: PubMed 20232449; PubMed 23559409.